The following is an entry in ClinVar:

ClinVar aggregate classification (germline): Pathogenic. Review status: criteria provided, single submitter (1 of 4 stars). 2 submissions from 2 submitters: Pathogenic (1). 1 of the submissions does not count toward it. Last evaluated 2021-03-01.

Conditions:
Marfan syndrome (MFS). Also called: Marfan syndrome type 1; Marfan syndrome, classic; Marfan's syndrome; FBN1-Related Marfan Syndrome; MARFAN SYNDROME, TYPE I. Identifiers: Orphanet 284963, Orphanet 558, MedGen C0024796, MONDO:0007947, OMIM 154700.

Submissions (2):

Centre of Medical Genetics, University of Antwerp
Classification: Pathogenic for Marfan syndrome. Last evaluated: 2021-03-01. Review status: criteria provided, single submitter. Criteria: Submitter's publication. Collection method: research. Allele origin: unknown. Affected: yes.
Comment: PM2, PVS1, PP4

Center for Medical Genetics Ghent, University of Ghent
Classification: Likely pathogenic for Marfan syndrome. Last evaluated: 2017-11-07. Review status: no assertion criteria provided. Collection method: clinical testing. Allele origin: germline. Affected: yes. Not counted in ClinVar's aggregate classification.

NM_000138.5(FBN1):c.1823del (p.Gly608fs)

Gene: FBN1 (fibrillin 1; minus strand). Cytogenetic location: 15q21.1.
Variant type: Deletion.
Coding change: c.1823del on transcript NM_000138.5 (MANE Select); coding-DNA position 1823, one base deleted (G; older notation c.1823delG).
Protein change: p.Gly608fs; shifts the reading frame from glycine 608.
Molecular consequence: frameshift variant.
Genome position (GRCh38, 1-based): chr15:48,508,596, C deleted on the plus strand (G on the coding strand, the reverse complement: FBN1 is on the minus strand); the first of 2 consecutive C bases (chr15:48,508,596-48,508,597); deleting either gives the same sequence. VCF-style (leftmost placement, unchanged base first): chr15-48508595-TC-T. GRCh37 (hg19) VCF-style: chr15-48800792-TC-T.
Other names: short protein forms G608fs.
Identifiers: ClinVar variation 549048 (VCV000549048.18), dbSNP rs1555399949, ClinGen allele CA658824474.
Genomic context (GRCh38, chr15:48,508,595, plus strand): 5'-GAGAAAAGGCACGTGAAGAACATGATCTAGGGTTTTATAGCACGAACCTTTGCAATAACG[TC>T]CATCTGATGCCAGCTGGAATCCAGGTTTGCAAATACATTTAAAACTGCCATCTTCATTGA-3'